The following is an entry in ClinVar:

Conditions:
Breast-ovarian cancer, familial, susceptibility to, 1 (BROVCA1). Also called: BRCA1 Hereditary Breast and Ovarian Cancer; OVARIAN CANCER, SUSCEPTIBILITY TO. Identifiers: Orphanet 145, MedGen C2676676, MONDO:0011450, OMIM 604370. Disease mechanism: loss of function.

Submission:

Brotman Baty Institute, University of Washington
No classification provided (evidence only). Condition: Breast-ovarian cancer, familial 1. Review status: no classification provided. Collection method: in vitro. Allele origin: not applicable. Functional consequence: functionally_normal.
ClinVar note: "not provided" was previously submitted as the classification for the variant. However, the classification appeared to be based only on an observation of functional data so it was converted to no classification on 2025-07-30.

NM_007294.4(BRCA1):c.5153-24C>T

Gene: BRCA1 (BRCA1 DNA repair associated; minus strand). Cytogenetic location: 17q21.31.
Variant type: single nucleotide variant.
Coding change: c.5153-24C>T on transcript NM_007294.4 (MANE Select); 24 bases into the intron before coding-DNA position 5153, C replaced by T.
Molecular consequence: intron variant.
Genome position (GRCh38, 1-based): chr17:43,063,397, G>A on the plus strand (C>T on the coding strand, the complement: BRCA1 is on the minus strand). VCF-style: chr17-43063397-G-A. GRCh37 (hg19) VCF-style: chr17-41215414-G-A.
Other names: c.1700-24C>T (NM_001408458.1, NM_001408461.1, NM_001408464.1 and 7 more transcripts); c.4262-24C>T (NM_001407967.1); c.4772-24C>T (NM_001407959.1); c.4886-24C>T (NM_001407931.1, NM_001407932.1, NM_001407928.1 and 4 more transcripts); c.5009-24C>T (NM_001407747.1, NM_001407745.1, NM_001407737.1 and 21 more transcripts); c.4769-24C>T (NM_001407962.1, NM_001407960.1); c.1340-24C>T (NM_001408512.1); c.1463-24C>T (NM_001408510.1); and 72 more.
Identifiers: ClinVar variation 868734 (VCV000868734.3), dbSNP rs1313068638, ClinGen allele CA916080098.